The following is an entry in ClinVar:

ClinVar aggregate classification (germline): Pathogenic (0 of 4 stars; one submission).

Conditions:
Immunodeficiency 104. Also called: SCID, AUTOSOMAL RECESSIVE, T CELL-NEGATIVE, B CELL-POSITIVE, NK CELL-POSITIVE; Severe Combined Immune Deficiency, Autosomal Recessive, TCell -Negative, B Cell-Positive, NK Cell-Positive, IL7R-Related; Severe combined immunodeficiency, autosomal recessive, T cell-negative, B cell-positive, NK cell-positive; IMMUNODEFICIENCY 104, SEVERE COMBINED. Identifiers: MedGen C5676890, MONDO:0012163, OMIM 608971.

Submission:

Laboratory of Pediatric Immunoinfectivology, Tor Vergata University
Classification: Pathogenic for Immunodeficiency 104. Last evaluated: 2019-02-28. Review status: no assertion criteria provided. Collection method: clinical testing. Allele origin: germline. Affected: yes.
Comment: SCID (Severe Combined Immunodeficiency) T-, B+, NK+

Literature cited by the submitters: DOI 10.3389/fimmu.2019.00316.

NM_002185.5(IL7R):c.[134A>C;537+1G>A]

Variant type: Haplotype.
Identifiers: ClinVar variation 624585 (VCV000624585.3).